The following is an entry in ClinVar:

ClinVar aggregate classification (germline): Uncertain significance (1 of 4 stars; one submission).

Conditions:
Perlman syndrome (PRLMNS). Identifiers: Orphanet 2849, MedGen C0796113, MONDO:0009965, OMIM 267000.

Submission:

Labcorp Genetics (formerly Invitae), Labcorp
Classification: Uncertain significance for Perlman syndrome. Last evaluated: 2024-05-06. Review status: criteria provided, single submitter. Criteria: Invitae Variant Classification Sherloc (09022015). Collection method: clinical testing. Allele origin: germline.
Comment: This sequence change falls in intron 3 of the DIS3L2 gene. It does not directly change the encoded amino acid sequence of the DIS3L2 protein. It affects a nucleotide within the consensus splice site. This variant is not present in population databases (gnomAD no frequency). This variant has not been reported in the literature in individuals affected with DIS3L2-related conditions. Variants that disrupt the consensus splice site are a relatively common cause of aberrant splicing (PMID: 17576681, 9536098). Algorithms developed to predict the effect of sequence changes on RNA splicing suggest that this variant may disrupt the consensus splice site. In summary, the available evidence is currently insufficient to determine the role of this variant in disease. Therefore, it has been classified as a Variant of Uncertain Significance.

Literature cited by the submitters: PubMed 17576681; PubMed 9536098.

NM_152383.5(DIS3L2):c.210+3G>C

Gene: DIS3L2 (DIS3 like 3'-5' exoribonuclease 2; plus strand). Cytogenetic location: 2q37.1.
Variant type: single nucleotide variant.
Coding change: c.210+3G>C on transcript NM_152383.5 (MANE Select); 3 bases into the intron after coding-DNA position 210, G replaced by C.
Molecular consequence: intron variant.
Genome position (GRCh38, 1-based): chr2:232,015,674, G>C. VCF-style: chr2-232015674-G-C. GRCh37 (hg19) VCF-style: chr2-232880384-G-C.
Other names: c.210+3G>C (NM_001257281.2, NM_001257282.2).
Identifiers: ClinVar variation 2694352 (VCV002694352.3), dbSNP rs2469596037, ClinGen allele CA431908893.